The following is an entry in ClinVar:

NM_014956.5(CEP164):c.3786C>T (p.His1262=)

Gene: CEP164 (centrosomal protein 164; plus strand). Cytogenetic location: 11q23.3.
Variant type: single nucleotide variant.
Coding change: c.3786C>T on transcript NM_014956.5 (MANE Select); coding-DNA position 3786, C replaced by T.
Protein change: p.His1262=; no amino-acid change (histidine 1262 retained).
Molecular consequence: synonymous variant.
Genome position (GRCh38, 1-based): chr11:117,409,655, C>T. VCF-style: chr11-117409655-C-T. GRCh37 (hg19) VCF-style: chr11-117280371-C-T.
Other names: c.3771C>T, p.His1257= (NM_001271933.2).
Identifiers: ClinVar variation 707546 (VCV000707546.13), dbSNP rs373372717, ClinGen allele CA6295583.
Genomic context (GRCh38, chr11:117,409,655, plus strand): 5'-ACCATCCACCTCTTTTCTTTCAGTCGACTCAACCCCGAGTCTCACCTCCCGCAAGATCCA[C>T]GGGCTTAGCCACTCCCTCCGGCAGATCAGCAGCCAGCTGAGCAGTGTCCTCAGCATCCTG-3'
Protein context (NP_055771.4, residues 1252-1272): STPSLTSRKI[His1262=]GLSHSLRQIS

ClinVar aggregate classification (germline): Likely benign. Review status: criteria provided, multiple submitters, no conflicts (2 of 4 stars). 4 submissions from 4 submitters: Likely benign (3). 1 of the submissions does not count toward it. Last evaluated 2025-08-18.

Conditions:
CEP164-related disorder. Also called: CEP164-related condition.
Nephronophthisis 15 (NPHP15). Identifiers: Orphanet 3156, MedGen C3541853, MONDO:0013917, OMIM 614845.

Allele frequency attached by ClinVar (database versions not stated): gnomAD 0.00004; gnomAD exomes 0.00007; ESP Exome Variant Server 0.00008; TOPMed 0.00008; ExAC 0.00009; 1000 Genomes Project 30x 0.00016; 1000 Genomes Project 0.00020.
gnomAD v4.1: 79 of 1,612,032 alleles (0.0049%); highest among the groups gnomAD compares: South Asian, 0.045%; no homozygotes.

Submissions (4):

Labcorp Genetics (formerly Invitae), Labcorp
Classification: Likely benign for Nephronophthisis 15. Last evaluated: 2025-08-18. Review status: criteria provided, single submitter. Criteria: Invitae Variant Classification Sherloc (09022015). Collection method: clinical testing. Allele origin: germline.

Blueprint Genetics
Classification: Likely benign. Last evaluated: 2024-09-20. Review status: criteria provided, single submitter. Criteria: ACMG Guidelines, 2015. Collection method: clinical testing. Allele origin: germline.

Fulgent Genetics
Classification: Likely benign for Nephronophthisis 15. Last evaluated: 2021-10-22. Review status: criteria provided, single submitter. Criteria: ACMG Guidelines, 2015. Collection method: clinical testing. Allele origin: unknown.

PreventionGenetics, part of Exact Sciences
Classification: Likely benign for CEP164-related condition. Last evaluated: 2024-08-22. Review status: no assertion criteria provided. Collection method: clinical testing. Allele origin: germline. Not counted in ClinVar's aggregate classification.
Comment: This variant is classified as likely benign based on ACMG/AMP sequence variant interpretation guidelines (Richards et al. 2015 PMID: 25741868, with internal and published modifications).